The following is an entry in ClinVar:

ClinVar aggregate classification (germline): Uncertain significance (1 of 4 stars; one submission).

Submission:

GeneDx
Classification: Uncertain significance. Last evaluated: 2025-05-19. Review status: criteria provided, single submitter. Criteria: GeneDx Variant Classification Process June 2021. Collection method: clinical testing. Allele origin: germline. Affected: yes.
Comment: Not observed at significant frequency in large population cohorts (gnomAD); In silico analysis suggests that this missense variant does not alter protein structure/function; Has not been previously published as pathogenic or benign to our knowledge

NM_019066.5(MAGEL2):c.2491C>G (p.Leu831Val)

Gene: MAGEL2 (MAGE family member L2; minus strand). Cytogenetic location: 15q11.2.
Variant type: single nucleotide variant.
Coding change: c.2491C>G on transcript NM_019066.5 (MANE Select); coding-DNA position 2491, C replaced by G.
Protein change: p.Leu831Val; replaces leucine 831 with valine.
Molecular consequence: missense variant.
Genome position (GRCh38, 1-based): chr15:23,645,252, G>C on the plus strand (C>G on the coding strand, the complement: MAGEL2 is on the minus strand). VCF-style: chr15-23645252-G-C. GRCh37 (hg19) VCF-style: chr15-23890399-G-C.
Other names: short protein forms L831V.
Identifiers: ClinVar variation 4530897 (VCV004530897.1).